The following is an entry in ClinVar:

NM_172351.3(CD46):c.217C>T (p.Pro73Ser)

Gene: CD46 (CD46 molecule; plus strand). Cytogenetic location: 1q32.2.
Variant type: single nucleotide variant.
Coding change: c.217C>T on transcript NM_172351.3 (MANE Select); coding-DNA position 217, C replaced by T.
Protein change: p.Pro73Ser; replaces proline 73 with serine.
Molecular consequence: missense variant.
Genome position (GRCh38, 1-based): chr1:207,757,133, C>T. VCF-style: chr1-207757133-C-T. GRCh37 (hg19) VCF-style: chr1-207930478-C-T.
Other names: c.217C>T, p.Pro73Ser (NM_002389.4, NM_153826.4, NM_172350.3 and 8 more transcripts); short protein forms P73S.
Identifiers: ClinVar variation 3061864 (VCV003061864.1), dbSNP rs2526401892, ClinGen allele CA344548164.

ClinVar aggregate classification (germline): Uncertain significance (1 of 4 stars; one submission).

Conditions:
Atypical hemolytic-uremic syndrome with MCP/CD46 anomaly. Also called: HEMOLYTIC UREMIC SYNDROME, ATYPICAL, SUSCEPTIBILITY TO, 2; AHUS, SUSCEPTIBILITY TO, 2. Identifiers: Orphanet 2134, MedGen C2752040, MONDO:0013040, OMIM 612922.

Allele frequency attached by ClinVar (database versions not stated): gnomAD exomes below 0.00001.
gnomAD v4.1: 2 of 1,613,880 alleles (0.00012%); highest among the groups gnomAD compares: Non-Finnish European, 0.00017%; no homozygotes.

Submission:

MVZ Medizinische Genetik Mainz
Classification: Uncertain significance for Atypical hemolytic-uremic syndrome with MCP/CD46 anomaly. Last evaluated: 2023-06-28. Review status: criteria provided, single submitter. Criteria: UK Practice Guidelines For Variant Classification V4 01 2020. Collection method: clinical testing. Allele origin: germline. Inheritance: Autosomal dominant inheritance. Affected: yes. Observed: 1 variant allele.
Comment: PM1_SUP,PM2_SUP,BP4_MOD